The following is an entry in ClinVar:

ClinVar aggregate classification (germline): Uncertain significance. Review status: criteria provided, single submitter (1 of 4 stars). 2 submissions from 2 submitters: Uncertain significance (1). 1 of the submissions does not count toward it. Last evaluated 2017-12-06.

Conditions:
GPBAR1-related disorder. Also called: GPBAR1-related condition.

Allele frequency attached by ClinVar (database versions not stated): gnomAD exomes 0.00004 and 0.00007; ESP Exome Variant Server 0.00008; ExAC 0.00009; gnomAD 0.00018 and 0.00019; TOPMed 0.00021.

Submissions (2):

Eurofins Ntd Llc (ga)
Classification: Uncertain significance. Last evaluated: 2017-12-06. Review status: criteria provided, single submitter. Criteria: EGL Classification Definitions 2015. Collection method: clinical testing. Allele origin: germline. Observed: 1 variant allele, 1 heterozygote.

PreventionGenetics, part of Exact Sciences
Classification: Likely benign for GPBAR1-related condition. Last evaluated: 2022-08-31. Review status: no assertion criteria provided. Collection method: clinical testing. Allele origin: germline. Not counted in ClinVar's aggregate classification.
Comment: This variant is classified as likely benign based on ACMG/AMP sequence variant interpretation guidelines (Richards et al. 2015 PMID: 25741868, with internal and published modifications).

NM_170699.3(GPBAR1):c.531C>T (p.Ala177=)

Gene: GPBAR1 (G protein-coupled bile acid receptor 1; plus strand). Cytogenetic location: 2q35.
Variant type: single nucleotide variant.
Coding change: c.531C>T on transcript NM_170699.3 (MANE Select); coding-DNA position 531, C replaced by T.
Protein change: p.Ala177=; no amino-acid change (alanine 177 retained).
Molecular consequence: synonymous variant.
Genome position (GRCh38, 1-based): chr2:218,263,255, C>T. VCF-style: chr2-218263255-C-T. GRCh37 (hg19) VCF-style: chr2-219127978-C-T.
Other names: c.531C>T, p.Ala177= (NM_001077191.2, NM_001077194.2, NM_001321950.2); c.531C>T (NM_001321950.1).
Identifiers: ClinVar variation 595270 (VCV000595270.7), dbSNP rs200360810, ClinGen allele CA2102608.